The following is an entry in ClinVar:

NM_006908.5(RAC1):c.53G>A (p.Cys18Tyr)

Gene: RAC1 (Rac family small GTPase 1; plus strand). Cytogenetic location: 7p22.1.
Variant type: single nucleotide variant.
Coding change: c.53G>A on transcript NM_006908.5 (MANE Select); coding-DNA position 53, G replaced by A.
Protein change: p.Cys18Tyr; replaces cysteine 18 with tyrosine.
Molecular consequence: missense variant.
Genome position (GRCh38, 1-based): chr7:6,387,229, G>A. VCF-style: chr7-6387229-G-A. GRCh37 (hg19) VCF-style: chr7-6426860-G-A.
Other names: c.53G>A (NM_018890.3); c.53G>A, p.Cys18Tyr (NM_018890.4); short protein forms C18Y.
Identifiers: ClinVar variation 445280 (VCV000445280.3), dbSNP rs1554263326, ClinGen allele CA366759929.

ClinVar aggregate classification (germline): Pathogenic. Review status: criteria provided, single submitter (1 of 4 stars). 2 submissions from 2 submitters: Pathogenic (1). 1 of the submissions does not count toward it. Last evaluated 2023-11-11.

Conditions:
Intellectual developmental disorder, autosomal dominant 48. Also called: MENTAL RETARDATION, AUTOSOMAL DOMINANT 48; Intellectual disability, autosomal dominant 48. Identifiers: Orphanet 500159, MedGen C4540321, MONDO:0030913, OMIM 617751.

Submissions (2):

GeneDx
Classification: Pathogenic. Last evaluated: 2023-11-11. Review status: criteria provided, single submitter. Criteria: GeneDx Variant Classification Process June 2021. Collection method: clinical testing. Allele origin: germline. Affected: yes.
Comment: Published functional studies demonstrate a damaging effect with the prevention of GTP-mediated activation of RAC1 and LTP induction (PMID: 30042656); Not observed at significant frequency in large population cohorts (gnomAD); In silico analysis supports that this missense variant has a deleterious effect on protein structure/function; This variant is associated with the following publications: (PMID: 28886345, 27479843, 30042656)

OMIM
Classification: Pathogenic for INTELLECTUAL DEVELOPMENTAL DISORDER, AUTOSOMAL DOMINANT 48. Last evaluated: 2022-12-09. Review status: no assertion criteria provided. Collection method: literature only. Allele origin: germline. Not counted in ClinVar's aggregate classification.

Literature cited by the submitters: PubMed 28886345 (cited by OMIM).